The following is an entry in ClinVar:

ClinVar aggregate classification (germline): Likely benign. Review status: criteria provided, multiple submitters, no conflicts (2 of 4 stars). 4 submissions from 4 submitters: Likely benign (4). Last evaluated 2025-12-29.

Conditions:
VCL-related disorder. Also called: VCL-related condition.
Cardiovascular phenotype. Identifiers: MedGen CN230736.
Dilated cardiomyopathy 1W (CMD1W). Identifiers: Orphanet 154, MedGen C1969639, MONDO:0012667, OMIM 611407.

Allele frequency attached by ClinVar (database versions not stated): gnomAD exomes 0.00002 and 0.00004; ExAC 0.00004; ESP Exome Variant Server 0.00008; gnomAD 0.00010 and 0.00011; TOPMed 0.00021.
gnomAD v4.1: 44 of 1,613,998 alleles (0.0027%); highest among the groups gnomAD compares: African/African-American, 0.036%; no homozygotes.

Submissions (4):

Labcorp Genetics (formerly Invitae), Labcorp
Classification: Likely benign for Dilated cardiomyopathy 1W. Last evaluated: 2025-12-29. Review status: criteria provided, single submitter. Criteria: Invitae Variant Classification Sherloc (09022015). Collection method: clinical testing. Allele origin: germline.

PreventionGenetics, part of Exact Sciences
Classification: Likely benign for VCL-related condition. Last evaluated: 2025-06-25. Review status: criteria provided, single submitter. Criteria: ACMG Guidelines, 2015. Collection method: clinical testing. Allele origin: germline.
Comment: This variant is classified as likely benign based on ACMG/AMP sequence variant interpretation guidelines (Richards et al. 2015 PMID: 25741868, with internal and published modifications).

GeneDx
Classification: Likely benign. Last evaluated: 2019-02-15. Review status: criteria provided, single submitter. Criteria: GeneDx Variant Classification Process June 2021. Collection method: clinical testing. Allele origin: germline. Affected: yes.

Ambry Genetics
Classification: Likely benign for Cardiovascular phenotype. Last evaluated: 2016-08-09. Review status: criteria provided, single submitter. Criteria: Ambry Variant Classification Scheme 2023. Collection method: clinical testing. Allele origin: germline.

NM_014000.3(VCL):c.2655C>T (p.Phe885=)

Gene: VCL (vinculin; plus strand). Cytogenetic location: 10q22.2.
Variant type: single nucleotide variant.
Coding change: c.2655C>T on transcript NM_014000.3 (MANE Select); coding-DNA position 2655, C replaced by T.
Protein change: p.Phe885=; no amino-acid change (phenylalanine 885 retained).
Molecular consequence: synonymous variant.
Genome position (GRCh38, 1-based): chr10:74,109,066, C>T. VCF-style: chr10-74109066-C-T. GRCh37 (hg19) VCF-style: chr10-75868824-C-T.
Other names: c.2655C>T, p.Phe885= (NM_003373.4).
Identifiers: ClinVar variation 513827 (VCV000513827.16), dbSNP rs149196315, ClinGen allele CA5563271.